The following is an entry in ClinVar:

NM_003560.4(PLA2G6):c.609+27T>C

Gene: PLA2G6 (phospholipase A2 group VI; minus strand). Cytogenetic location: 22q13.1.
Variant type: single nucleotide variant.
Coding change: c.609+27T>C on transcript NM_003560.4 (MANE Select); 27 bases into the intron after coding-DNA position 609, T replaced by C.
Molecular consequence: intron variant.
Genome position (GRCh38, 1-based): chr22:38,143,078, A>G on the plus strand (T>C on the coding strand, the complement: PLA2G6 is on the minus strand). VCF-style: chr22-38143078-A-G. GRCh37 (hg19) VCF-style: chr22-38539085-A-G.
Other names: c.119+27T>C (NM_001349868.2); c.609+27T>C (NM_001349866.2, NM_001199562.3, NM_001349865.2 and 2 more transcripts); c.75+27T>C (NM_001349869.2, NM_001349867.2).
Identifiers: ClinVar variation 1201013 (VCV001201013.17), dbSNP rs148500718, ClinGen allele CA10231219.

ClinVar aggregate classification (germline): Likely benign. Review status: criteria provided, multiple submitters, no conflicts (2 of 4 stars). 2 submissions from 2 submitters: Likely benign (2). Last evaluated 2025-05-01.

Allele frequency attached by ClinVar (database versions not stated): 1000 Genomes Project 30x 0.00187; 1000 Genomes Project 0.00200; ExAC 0.00339; gnomAD exomes 0.00339 and 0.00576; gnomAD 0.00350 and 0.00385; TOPMed 0.00369; ESP Exome Variant Server 0.00431.
gnomAD v4.1: 8,829 of 1,607,778 alleles (0.55%); highest among the groups gnomAD compares: Non-Finnish European, 0.68%; 41 homozygotes.

Submissions (2):

CeGaT Center for Human Genetics Tuebingen
Classification: Likely benign. Last evaluated: 2025-05-01. Review status: criteria provided, single submitter. Criteria: CeGaT Center For Human Genetics Tuebingen Variant Classification Criteria Version 2. Collection method: clinical testing. Allele origin: germline. Affected: yes. Observed: 3 variant alleles.
Comment: ENSG00000279080: BS2

GeneDx
Classification: Likely benign. Last evaluated: 2020-08-22. Review status: criteria provided, single submitter. Criteria: GeneDx Variant Classification Process June 2021. Collection method: clinical testing. Allele origin: germline. Affected: yes.